The following is an entry in ClinVar:

NM_006231.4(POLE):c.4580dup (p.Ala1528fs)

Gene: POLE (DNA polymerase epsilon, catalytic subunit; minus strand). Cytogenetic location: 12q24.33.
Variant type: Duplication.
Coding change: c.4580dup on transcript NM_006231.4 (MANE Select); coding-DNA position 4580, one base duplicated (G; older notation c.4580dupG).
Protein change: p.Ala1528fs; shifts the reading frame from alanine 1528.
Molecular consequence: frameshift variant.
Genome position (GRCh38, 1-based): chr12:132,642,968, C duplicated on the plus strand (G on the coding strand, the reverse complement: POLE is on the minus strand); the first of 2 consecutive C bases (chr12:132,642,968-132,642,969); duplicating either gives the same sequence. VCF-style (leftmost placement, unchanged base first): chr12-132642967-G-GC. GRCh37 (hg19) VCF-style: chr12-133219553-G-GC.
Other names: short protein forms A1528fs.
Identifiers: ClinVar variation 1356047 (VCV001356047.8), dbSNP rs2138542793, ClinGen allele CA2573148302.

ClinVar aggregate classification (germline): Pathogenic (1 of 4 stars; one submission).

Submission:

Labcorp Genetics (formerly Invitae), Labcorp
Classification: Pathogenic. Last evaluated: 2022-05-12. Review status: criteria provided, single submitter. Criteria: Invitae Variant Classification Sherloc (09022015). Collection method: clinical testing. Allele origin: germline.
Comment: For these reasons, this variant has been classified as Pathogenic. This variant has not been reported in the literature in individuals affected with POLE-related conditions. This variant is not present in population databases (gnomAD no frequency). This sequence change creates a premature translational stop signal (p.Ala1528Argfs*17) in the POLE gene. It is expected to result in an absent or disrupted protein product. Loss-of-function variants in POLE are known to be pathogenic (PMID: 23230001, 25948378, 30503519).

Literature cited by the submitters: PubMed 23230001; PubMed 25948378; PubMed 30503519.